The following is an entry in ClinVar:

NM_001374828.1(ARID1B):c.5695_5696delinsTT (p.Glu1899Leu)

Gene: ARID1B (AT-rich interaction domain 1B; plus strand). Cytogenetic location: 6q25.3.
Variant type: Indel.
Coding change: c.5695_5696delinsTT on transcript NM_001374828.1 (MANE Select); coding-DNA positions 5695 to 5696, GA replaced by TT.
Protein change: p.Glu1899Leu; replaces glutamic acid 1899 with leucine.
Molecular consequence: missense variant.
Genome position (GRCh38, 1-based): chr6:157,206,467-157,206,468, GA replaced by TT. VCF-style: chr6-157206467-GA-TT. GRCh37 (hg19) VCF-style: chr6-157527601-GA-TT.
Other names: c.5326_5327delinsTT (NM_020732.3); c.3196_3197delinsTT, p.Glu1066Leu (NM_001363725.2); c.5575_5576delinsTT, p.Glu1859Leu (NM_001371656.1, NM_001374820.1); c.5536_5537delinsTT, p.Glu1846Leu (NM_017519.3); short protein forms E1066L, E1846L, E1859L, E1899L.
Identifiers: ClinVar variation 1723604 (VCV001723604.2), dbSNP rs2538762006, ClinGen allele CA2580075261.

ClinVar aggregate classification (germline): Uncertain significance (1 of 4 stars; one submission).

Submission:

GeneDx
Classification: Uncertain significance. Last evaluated: 2022-05-12. Review status: criteria provided, single submitter. Criteria: GeneDx Variant Classification Process June 2021. Collection method: clinical testing. Allele origin: germline. Affected: yes.
Comment: Not observed at significant frequency in large population cohorts (gnomAD); In silico analysis supports a deleterious effect on protein structure/function; Has not been previously published as pathogenic or benign to our knowledge